The following is an entry in ClinVar:

ClinVar aggregate classification (germline): Uncertain significance. Review status: criteria provided, multiple submitters, no conflicts (2 of 4 stars). 4 submissions from 4 submitters: Uncertain significance (4). Last evaluated 2025-01-13.

Conditions:
Hypotonia, infantile, with psychomotor retardation and characteristic facies 3 (IHPRF3). Also called: TBCK-Related Neurodevelopmental Disorder. Identifiers: Orphanet 488632, MedGen C5567480, MONDO:0014823, OMIM 616900.

Allele frequency attached by ClinVar (database versions not stated): gnomAD exomes below 0.00001.
gnomAD v4.1: 6 of 1,612,294 alleles (0.00037%); highest among the groups gnomAD compares: Middle Eastern, 0.017%; no homozygotes.

Submissions (5):

Broad Center for Mendelian Genomics, Broad Institute of MIT and Harvard
Classification: Uncertain significance for Hypotonia, infantile, with psychomotor retardation and characteristic facies 3. Last evaluated: 2025-01-13. Review status: criteria provided, single submitter. Criteria: ACMG Guidelines, 2015. Collection method: curation. Allele origin: germline. Inheritance: Autosomal recessive inheritance.
Comment: The p.Arg530Cys variant in TBCK has been reported in 1 individual with TBCK-related intellectual disability syndrome (PMID: 33958710), and has been identified in 0.016% (1/6056) of Middle Eastern chromosomes by the Genome Aggregation Database (gnomAD; dbSNP rs1267975131). Although this variant has been seen in the general population in a heterozygous state, its frequency is low enough to be consistent with a recessive carrier frequency. This variant has also been reported in ClinVar (Variation ID: 2070858) and has been interpreted as a variant of uncertain significance by Invitae and Revvity Omics. Computational prediction tools and conservation analyses suggest that this variant may impact the protein, though this information is not predictive enough to determine pathogenicity. In summary, the clinical significance of the p.Arg530Cys variant is uncertain. ACMG/AMP Criteria applied: PP3, PM2_supporting (Richards 2015).

Revvity Omics, Revvity
Classification: Uncertain significance for Hypotonia, infantile, with psychomotor retardation and characteristic facies 3. Last evaluated: 2022-10-05. Review status: criteria provided, single submitter. Criteria: ACMG Guidelines, 2015. Collection method: clinical testing. Allele origin: germline.

Labcorp Genetics (formerly Invitae), Labcorp
Classification: Uncertain significance. Last evaluated: 2022-03-12. Review status: criteria provided, single submitter. Criteria: Invitae Variant Classification Sherloc (09022015). Collection method: clinical testing. Allele origin: germline.
Comment: In summary, the available evidence is currently insufficient to determine the role of this variant in disease. Therefore, it has been classified as a Variant of Uncertain Significance. Algorithms developed to predict the effect of missense changes on protein structure and function are either unavailable or do not agree on the potential impact of this missense change (SIFT: "Deleterious"; PolyPhen-2: "Probably Damaging"; Align-GVGD: "Class C0"). Algorithms developed to predict the effect of sequence changes on RNA splicing suggest that this variant may disrupt the consensus splice site. This sequence change replaces arginine, which is basic and polar, with cysteine, which is neutral and slightly polar, at codon 530 of the TBCK protein (p.Arg530Cys). This variant is not present in population databases (gnomAD no frequency). This variant has not been reported in the literature in individuals affected with TBCK-related conditions.

Blueprint Genetics
Classification: Uncertain significance. Last evaluated: 2020-09-10. Review status: criteria provided, single submitter. Criteria: ACMG Guidelines, 2015. Collection method: clinical testing. Allele origin: germline.

Dr. Peter K. Rogan Lab, Western University
No classification provided (evidence only). Condition: Colon adenocarcinoma. Review status: no classification provided. Collection method: in vitro. Allele origin: not applicable. Functional consequence: retained intron. Not counted in ClinVar's aggregate classification.

NM_001163435.3(TBCK):c.1588C>T (p.Arg530Cys)

Gene: TBCK (TBC1 domain containing kinase; minus strand). Cytogenetic location: 4q24.
Variant type: single nucleotide variant.
Coding change: c.1588C>T on transcript NM_001163435.3 (MANE Select); coding-DNA position 1588, C replaced by T.
Protein change: p.Arg530Cys; replaces arginine 530 with cysteine.
Molecular consequence: missense variant.
Genome position (GRCh38, 1-based): chr4:106,232,989, G>A on the plus strand (C>T on the coding strand, the complement: TBCK is on the minus strand). VCF-style: chr4-106232989-G-A. GRCh37 (hg19) VCF-style: chr4-107154146-G-A.
Other names: NM_001163435.3(TBCK):c.1588C>T; p.Arg530Cys; c.1588C>T, p.Arg530Cys (NM_001163436.4); c.1471C>T, p.Arg491Cys (NM_001163437.3); c.1072C>T, p.Arg358Cys (NM_001290768.2); c.1399C>T, p.Arg467Cys (NM_033115.5); short protein forms R467C, R491C, R358C, R530C.
Identifiers: ClinVar variation 2070858 (VCV002070858.10), dbSNP rs1267975131, ClinGen allele CA357822448.